The following is an entry in ClinVar:

NM_001008212.2(OPTN):c.1588C>A (p.Gln530Lys)

Gene: OPTN (optineurin; plus strand). Cytogenetic location: 10p13.
Variant type: single nucleotide variant.
Coding change: c.1588C>A on transcript NM_001008212.2 (MANE Select); coding-DNA position 1588, C replaced by A.
Protein change: p.Gln530Lys; replaces glutamine 530 with lysine.
Molecular consequence: missense variant.
Genome position (GRCh38, 1-based): chr10:13,133,557, C>A. VCF-style: chr10-13133557-C-A. GRCh37 (hg19) VCF-style: chr10-13175557-C-A.
Other names: c.1588C>A, p.Gln530Lys (NM_001008211.1, NM_001008213.1, NM_021980.4); short protein forms Q530K.
Identifiers: ClinVar variation 1360254 (VCV001360254.10), dbSNP rs759605171, ClinGen allele CA5411023.

ClinVar aggregate classification (germline): Uncertain significance. Review status: criteria provided, multiple submitters, no conflicts (2 of 4 stars). 3 submissions from 3 submitters: Uncertain significance (3). Last evaluated 2025-11-03.

Conditions:
OPTN-related disorder. Also called: OPTN-related disorders; OPTN-related condition.
Primary open angle glaucoma (POAG). Also called: OPTN-related open angle glaucoma. Identifiers: MedGen C0339573, MONDO:0100553, OMIM 137760.
Amyotrophic lateral sclerosis type 12 (ALS12). Also called: AMYOTROPHIC LATERAL SCLEROSIS 12 WITH OR WITHOUT FRONTOTEMPORAL DEMENTIA. Identifiers: Orphanet 803, MedGen C3150692, MONDO:0013264, OMIM 613435.
Glaucoma 1, open angle, E. Identifiers: MedGen C1842026, MONDO:0007665.
Inborn genetic diseases. Identifiers: MedGen C0950123, MeSH D030342.

Allele frequency attached by ClinVar (database versions not stated): ExAC 0.00001; gnomAD exomes 0.00002 and 0.00003; gnomAD 0.00003 and 0.00004; TOPMed 0.00004.
gnomAD v4.1: 49 of 1,614,072 alleles (0.003%); highest among the groups gnomAD compares: Admixed American, 0.0067%; no homozygotes.

Submissions (3):

PreventionGenetics, part of Exact Sciences
Classification: Uncertain significance for OPTN-related condition. Last evaluated: 2025-11-03. Review status: criteria provided, single submitter. Criteria: ACMG Guidelines, 2015. Collection method: clinical testing. Allele origin: germline.
Comment: The OPTN c.1588C>A variant is predicted to result in the amino acid substitution p.Gln530Lys. This variant has been reported in an individual with amyotrophic lateral sclerosis who also carried an in-frame deletion in the HNRNPA1 gene (ALS, Lamp et al. 2018. PubMed ID: 29525178). This variant is reported in 0.0087% of alleles in individuals of Latino descent in gnomAD. At this time, the clinical significance of this variant is uncertain due to the absence of conclusive functional and genetic evidence.

Labcorp Genetics (formerly Invitae), Labcorp
Classification: Uncertain significance for Primary open angle glaucoma; Glaucoma 1, open angle, E; Amyotrophic lateral sclerosis type 12. Last evaluated: 2024-04-11. Review status: criteria provided, single submitter. Criteria: Invitae Variant Classification Sherloc (09022015). Collection method: clinical testing. Allele origin: germline.
Comment: This sequence change replaces glutamine, which is neutral and polar, with lysine, which is basic and polar, at codon 530 of the OPTN protein (p.Gln530Lys). This variant is present in population databases (rs759605171, gnomAD 0.009%). This missense change has been observed in individual(s) with amyotrophic lateral sclerosis (PMID: 29525178). ClinVar contains an entry for this variant (Variation ID: 1360254). Advanced modeling of protein sequence and biophysical properties (such as structural, functional, and spatial information, amino acid conservation, physicochemical variation, residue mobility, and thermodynamic stability) performed at Invitae indicates that this missense variant is not expected to disrupt OPTN protein function with a negative predictive value of 80%. In summary, the available evidence is currently insufficient to determine the role of this variant in disease. Therefore, it has been classified as a Variant of Uncertain Significance.

Ambry Genetics
Classification: Uncertain significance for Inborn genetic diseases. Last evaluated: 2020-03-21. Review status: criteria provided, single submitter. Criteria: Ambry Variant Classification Scheme 2023. Collection method: clinical testing. Allele origin: germline.
Comment: The p.Q530K variant (also known as c.1588C>A), located in coding exon 12 of the OPTN gene, results from a C to A substitution at nucleotide position 1588. The glutamine at codon 530 is replaced by lysine, an amino acid with similar properties. This alteration was noted in a single individual with a clinical diagnosis of amyotrophic lateral sclerosis; however, it is unknown if this alteration was detected in a heterozygous, compound heterozygous, or homozygous state (Lamp M et al. Neurobiol. Aging, 2018 06;66:179.e5-179.e16). This amino acid position is well conserved in available vertebrate species. In addition, this alteration is predicted to be tolerated by in silico analysis. Since supporting evidence is limited at this time, the clinical significance of this alteration remains unclear.

Literature cited by the submitters: PubMed 29525178 (cited by Labcorp Genetics (formerly Invitae), Labcorp and Ambry Genetics).